The following is an entry in ClinVar:

ClinVar aggregate classification (germline): Uncertain significance (1 of 4 stars; one submission).

Conditions:
Polycystic kidney disease, adult type (PKD1). Also called: Polycystic Kidney Disease 1, Autosomal Dominant; Polycystic kidney disease 1; Polycystic kidney disease 1, severe; Polycystic Kidney, Autosomal Dominant; POLYCYSTIC KIDNEY DISEASE 1 WITH OR WITHOUT POLYCYSTIC LIVER DISEASE; POLYCYSTIC KIDNEY DISEASE, ADULT, TYPE I. Identifiers: MedGen C3149841, MONDO:0008263, OMIM 173900.

Submission:

MVZ Medizinische Genetik Mainz
Classification: Uncertain significance for Polycystic kidney disease, adult type. Last evaluated: 2022-08-05. Review status: criteria provided, single submitter. Criteria: UK Practice Guidelines For Variant Classification V4 01 2020. Collection method: clinical testing. Allele origin: germline. Inheritance: Autosomal dominant inheritance. Affected: yes. Observed: 1 variant allele.
Comment: ACMG Criteria: PM2_SUP, BP4 (ACMG Version 4)

NM_001009944.3(PKD1):c.2153A>G (p.Gln718Arg)

Gene: PKD1 (polycystin 1, transient receptor potential channel interacting; minus strand). Cytogenetic location: 16p13.3.
Variant type: single nucleotide variant.
Coding change: c.2153A>G on transcript NM_001009944.3 (MANE Select); coding-DNA position 2153, A replaced by G.
Protein change: p.Gln718Arg; replaces glutamine 718 with arginine.
Molecular consequence: missense variant.
Genome position (GRCh38, 1-based): chr16:2,114,870, T>C on the plus strand (A>G on the coding strand, the complement: PKD1 is on the minus strand). VCF-style: chr16-2114870-T-C. GRCh37 (hg19) VCF-style: chr16-2164871-T-C.
Other names: c.2153A>G, p.Gln718Arg (NM_000296.4); short protein forms Q718R.
Identifiers: ClinVar variation 3234063 (VCV003234063.1), dbSNP rs754490344, ClinGen allele CA394389255.